The following is an entry in ClinVar:

NM_139057.4(ADAMTS17):c.1247A>G (p.Glu416Gly)

Gene: ADAMTS17 (ADAM metallopeptidase with thrombospondin type 1 motif 17; minus strand). Cytogenetic location: 15q26.3.
Variant type: single nucleotide variant.
Coding change: c.1247A>G on transcript NM_139057.4 (MANE Select); coding-DNA position 1247, A replaced by G.
Protein change: p.Glu416Gly; replaces glutamic acid 416 with glycine.
Molecular consequence: missense variant.
Genome position (GRCh38, 1-based): chr15:100,155,255, T>C on the plus strand (A>G on the coding strand, the complement: ADAMTS17 is on the minus strand). VCF-style: chr15-100155255-T-C. GRCh37 (hg19) VCF-style: chr15-100695460-T-C.
Other names: short protein forms E416G.
Identifiers: ClinVar variation 4527440 (VCV004527440.1).

ClinVar aggregate classification (germline): Uncertain significance (1 of 4 stars; one submission).

gnomAD v4.1: 4 of 1,614,156 alleles (0.00025%); highest among the groups gnomAD compares: African/African-American, 0.0053%; no homozygotes.

Submission:

GeneDx
Classification: Uncertain significance. Last evaluated: 2025-04-24. Review status: criteria provided, single submitter. Criteria: GeneDx Variant Classification Process June 2021. Collection method: clinical testing. Allele origin: germline. Affected: yes.
Comment: Not observed at significant frequency in large population cohorts (gnomAD); In silico analysis supports that this missense variant has a deleterious effect on protein structure/function; Has not been previously published as pathogenic or benign to our knowledge